The following is an entry in ClinVar:

ClinVar aggregate classification (germline): other (0 of 4 stars; one submission).

Conditions:
Familial colorectal cancer. Identifiers: MedGen CN280943, MONDO:0023113. Disease mechanism: loss of function.

Submission:

Systems Biology Platform Zhejiang California International NanoSystems Institute
Classification: other for Familial colorectal cancer. Review status: no assertion criteria provided. Collection method: not provided. Allele origin: unknown.
ClinVar note: Converted during submission from cancer to other.

NC_000005.10:g.112847402A>C

Variant type: single nucleotide variant.
Genome position: GRCh38 VCF-style: chr5-112847402-A-C. GRCh37 (hg19) VCF-style: chr5-112183099-A-C.
Identifiers: ClinVar variation 82641 (VCV000082641.3), dbSNP rs74947963, ClinGen allele CA250781.
Genomic context (GRCh38, chr5:112,847,402, plus strand): 5'-TTGAGGACAACTTTACAGATTACCAGGGTAATGAAAAGGAAGTAATCAAAGATAAGCCCC[A>C]TAAGGATCAAATAGCACTGTAAGTACAGTAAAATGTTTCTTGATTAAAATATGGATCATG-3'